The following is an entry in ClinVar:

ClinVar aggregate classification (germline): Uncertain significance. Review status: criteria provided, multiple submitters, no conflicts (2 of 4 stars). 4 submissions from 4 submitters: Uncertain significance (4). Last evaluated 2025-09-29.

Conditions:
Autosomal dominant cerebellar ataxia. Also called: Spinocerebellar Ataxia, Dominant. Identifiers: Orphanet 99, MedGen C4087347, MONDO:0020380.
Inborn genetic diseases. Identifiers: MedGen C0950123, MeSH D030342.
Gillespie syndrome (GLSP). Also called: Aniridia, cerebellar ataxia, and mental deficiency; Aniridia-cerebellar ataxia-intellectual disability syndrome. Identifiers: Orphanet 1065, MedGen C0431401, MONDO:0008795, OMIM 206700.

Allele frequency attached by ClinVar (database versions not stated): ExAC 0.00001; gnomAD exomes 0.00001 and 0.00002; gnomAD 0.00003; TOPMed 0.00003.
gnomAD v4.1: 26 of 1,613,842 alleles (0.0016%); highest among the groups gnomAD compares: East Asian, 0.0067%; no homozygotes.

Submissions (4):

Labcorp Genetics (formerly Invitae), Labcorp
Classification: Uncertain significance. Last evaluated: 2025-09-29. Review status: criteria provided, single submitter. Criteria: Invitae Variant Classification Sherloc (09022015). Collection method: clinical testing. Allele origin: germline.
Comment: This sequence change replaces aspartic acid, which is acidic and polar, with asparagine, which is neutral and polar, at codon 1896 of the ITPR1 protein (p.Asp1896Asn). The frequency data for this variant in the population databases is considered unreliable, as metrics indicate poor data quality at this position in the gnomAD database. This variant has not been reported in the literature in individuals affected with ITPR1-related conditions. ClinVar contains an entry for this variant (Variation ID: 901335). Invitae Evidence Modeling of protein sequence and biophysical properties (such as structural, functional, and spatial information, amino acid conservation, physicochemical variation, residue mobility, and thermodynamic stability) indicates that this missense variant is not expected to disrupt ITPR1 protein function with a negative predictive value of 95%. In summary, the available evidence is currently insufficient to determine the role of this variant in disease. Therefore, it has been classified as a Variant of Uncertain Significance.

Ambry Genetics
Classification: Uncertain significance for Inborn genetic diseases. Last evaluated: 2024-11-21. Review status: criteria provided, single submitter. Criteria: Ambry Variant Classification Scheme 2023. Collection method: clinical testing. Allele origin: germline.

Baylor Genetics
Classification: Uncertain significance for Gillespie syndrome. Last evaluated: 2023-03-01. Review status: criteria provided, single submitter. Criteria: ACMG Guidelines, 2015. Collection method: clinical testing. Allele origin: unknown.

Illumina Laboratory Services, Illumina
Classification: Uncertain significance for Spinocerebellar Ataxia, Dominant. Last evaluated: 2018-01-12. Review status: criteria provided, single submitter. Criteria: ICSL Variant Classification Criteria 13 December 2019. Collection method: clinical testing. Allele origin: germline.

NM_001378452.1(ITPR1):c.5875G>A (p.Asp1959Asn)

Gene: ITPR1 (inositol 1,4,5-trisphosphate receptor type 1; plus strand). Cytogenetic location: 3p26.1.
Variant type: single nucleotide variant.
Coding change: c.5875G>A on transcript NM_001378452.1 (MANE Select); coding-DNA position 5875, G replaced by A.
Protein change: p.Asp1959Asn; replaces aspartic acid 1959 with asparagine.
Molecular consequence: missense variant.
Genome position (GRCh38, 1-based): chr3:4,768,660, G>A. VCF-style: chr3-4768660-G-A. GRCh37 (hg19) VCF-style: chr3-4810344-G-A.
Other names: c.5731G>A, p.Asp1911Asn (NM_001099952.4); c.5830G>A, p.Asp1944Asn (NM_001168272.2); c.5686G>A, p.Asp1896Asn (NM_002222.7); c.5731G>A (NM_001099952.3); short protein forms D1911N, D1944N, D1896N, D1959N.
Identifiers: ClinVar variation 901335 (VCV000901335.7), dbSNP rs773864227, ClinGen allele CA2232455.